The following is an entry in ClinVar:

NM_017635.5(KMT5B):c.571A>G (p.Thr191Ala)

Gene: KMT5B (lysine methyltransferase 5B; minus strand). Cytogenetic location: 11q13.2.
Variant type: single nucleotide variant.
Coding change: c.571A>G on transcript NM_017635.5 (MANE Select); coding-DNA position 571, A replaced by G.
Protein change: p.Thr191Ala; replaces threonine 191 with alanine.
Molecular consequence: missense variant. On other transcripts: 5 prime UTR variant (1), non-coding transcript variant (3).
Genome position (GRCh38, 1-based): chr11:68,173,886, T>C on the plus strand (A>G on the coding strand, the complement: KMT5B is on the minus strand). VCF-style: chr11-68173886-T-C. GRCh37 (hg19) VCF-style: chr11-67941353-T-C.
Other names: c.55A>G, p.Thr19Ala (NM_001300907.1, NM_001369424.1, NM_001369428.1 and 5 more transcripts); c.-97A>G (NM_001300908.2); c.502A>G, p.Thr168Ala (NM_001300909.2); c.571A>G, p.Thr191Ala (NM_001363566.2, NM_001369426.1, NM_001369427.1 and 1 more transcripts); c.358A>G, p.Thr120Ala (NM_001369425.1); short protein forms T120A, T168A, T191A, T19A.
Identifiers: ClinVar variation 2808910 (VCV002808910.3), dbSNP rs2495348482, ClinGen allele CA381605706.

ClinVar aggregate classification (germline): Uncertain significance (1 of 4 stars; one submission).

Allele frequency attached by ClinVar (database versions not stated): gnomAD exomes below 0.00001.
gnomAD v4.1: 3 of 1,611,538 alleles (0.00019%); highest among the groups gnomAD compares: Non-Finnish European, 0.00017%; no homozygotes.

Submission:

Labcorp Genetics (formerly Invitae), Labcorp
Classification: Uncertain significance. Last evaluated: 2022-10-19. Review status: criteria provided, single submitter. Criteria: Invitae Variant Classification Sherloc (09022015). Collection method: clinical testing. Allele origin: germline.
Comment: In summary, the available evidence is currently insufficient to determine the role of this variant in disease. Therefore, it has been classified as a Variant of Uncertain Significance. Algorithms developed to predict the effect of missense changes on protein structure and function output the following: SIFT: "Tolerated"; PolyPhen-2: "Benign"; Align-GVGD: "Class C0". The alanine amino acid residue is found in multiple mammalian species, which suggests that this missense change does not adversely affect protein function. This variant has not been reported in the literature in individuals affected with KMT5B-related conditions. This variant is not present in population databases (gnomAD no frequency). This sequence change replaces threonine, which is neutral and polar, with alanine, which is neutral and non-polar, at codon 191 of the KMT5B protein (p.Thr191Ala).